The following is an entry in ClinVar:

NM_153676.4(USH1C):c.448G>A (p.Val150Ile)

Gene: USH1C (USH1 protein network component harmonin; minus strand). Cytogenetic location: 11p15.1.
Variant type: single nucleotide variant.
Coding change: c.448G>A on transcript NM_153676.4 (MANE Select); coding-DNA position 448, G replaced by A.
Protein change: p.Val150Ile; replaces valine 150 with isoleucine.
Molecular consequence: missense variant. On other transcripts: non-coding transcript variant (1).
Genome position (GRCh38, 1-based): chr11:17,527,271, C>T on the plus strand (G>A on the coding strand, the complement: USH1C is on the minus strand). VCF-style: chr11-17527271-C-T. GRCh37 (hg19) VCF-style: chr11-17548818-C-T.
Other names: c.448G>A, p.Val150Ile (NM_001297764.2, NM_005709.4); short protein forms V150I.
Identifiers: ClinVar variation 1357765 (VCV001357765.8), dbSNP rs1850744294, ClinGen allele CA379795242.
Genomic context (GRCh38, chr11:17,527,271, plus strand): 5'-GGCCTCACTCACGTCTCACTTTGATGGACACAGTTTTCTTGGTTCGAATGAGGTTGATGA[C>T]CTCCTCATGGGTACAGGAGGAGATGGAATATCCATTGATCCGGACGATCTCGTCCCCTAC-3'
Protein context (NP_710142.1, residues 140-160): YSISSCTHEE[Val150Ile]INLIRTKKTV

ClinVar aggregate classification (germline): Uncertain significance (1 of 4 stars; one submission).

Allele frequency attached by ClinVar (database versions not stated): TOPMed below 0.00001.
gnomAD v4.1: 1 of 1,612,504 alleles (0.000062%); highest among the groups gnomAD compares: Non-Finnish European, 0.000085%; no homozygotes.

Submission:

Labcorp Genetics (formerly Invitae), Labcorp
Classification: Uncertain significance. Last evaluated: 2020-12-20. Review status: criteria provided, single submitter. Criteria: Invitae Variant Classification Sherloc (09022015). Collection method: clinical testing. Allele origin: germline.
Comment: In summary, the available evidence is currently insufficient to determine the role of this variant in disease. Therefore, it has been classified as a Variant of Uncertain Significance. Algorithms developed to predict the effect of missense changes on protein structure and function output the following: SIFT: "Tolerated"; PolyPhen-2: "Benign"; Align-GVGD: "Class C0". The isoleucine amino acid residue is found in multiple mammalian species, suggesting that this missense change does not adversely affect protein function. These predictions have not been confirmed by published functional studies and their clinical significance is uncertain. This variant has not been reported in the literature in individuals with USH1C-related conditions. This variant is not present in population databases (ExAC no frequency). This sequence change replaces valine with isoleucine at codon 150 of the USH1C protein (p.Val150Ile). The valine residue is highly conserved and there is a small physicochemical difference between valine and isoleucine.